The following is an entry in ClinVar:

NM_001001557.4(GDF6):c.997C>T (p.Arg333Trp)

Gene: GDF6 (growth differentiation factor 6; minus strand). Cytogenetic location: 8q22.1.
Variant type: single nucleotide variant.
Coding change: c.997C>T on transcript NM_001001557.4 (MANE Select); coding-DNA position 997, C replaced by T.
Protein change: p.Arg333Trp; replaces arginine 333 with tryptophan.
Molecular consequence: missense variant.
Genome position (GRCh38, 1-based): chr8:96,144,934, G>A on the plus strand (C>T on the coding strand, the complement: GDF6 is on the minus strand). VCF-style: chr8-96144934-G-A. GRCh37 (hg19) VCF-style: chr8-97157162-G-A.
Other names: short protein forms R333W.
Identifiers: ClinVar variation 4791283 (VCV004791283.1).
Genomic context (GRCh38, chr8:96,144,934, plus strand): 5'-GTAGCCTGGACTTCTTGCCGTGCCGCTTGCCATGGCGACTGGCGAAGGCCGTGCGCCGCC[G>A]CCGGCGGCCGGGCGAGGGCAGCCAAGGCCTGGCATCCGGGGCGCCCGACGGCGGCGGCCA-3'
Protein context (NP_001001557.1, residues 323-343): RPWLPSPGRR[Arg333Trp]RRTAFASRHG

ClinVar aggregate classification (germline): Uncertain significance (1 of 4 stars; one submission).

Conditions:
Klippel-Feil syndrome 1, autosomal dominant (KFS1). Also called: CERVICAL VERTEBRAL FUSION, AUTOSOMAL DOMINANT. Identifiers: Orphanet 2345, MedGen C1861689, MONDO:0007306, OMIM 118100.
Isolated microphthalmia 4. Identifiers: Orphanet 2542, MedGen C2751307, MONDO:0013130, OMIM 613094.
Leber congenital amaurosis 17 (LCA17). Identifiers: Orphanet 65, MedGen C3715164, MONDO:0014145, OMIM 615360.
Microphthalmia, isolated, with coloboma 6 (MCOPCB6). Also called: Microphthalmia with coloboma 6, digenic; Microphthalmia with coloboma 6; MICROPHTHALMIA/COLOBOMA 6. Identifiers: Orphanet 98938, MedGen C3150968, MONDO:0013376, OMIM 613703.

gnomAD v4.1: 7 of 1,582,976 alleles (0.00044%); highest among the groups gnomAD compares: South Asian, 0.0068%; no homozygotes.

Submission:

Labcorp Genetics (formerly Invitae), Labcorp
Classification: Uncertain significance for Isolated microphthalmia 4; Leber congenital amaurosis 17; Klippel-Feil syndrome 1, autosomal dominant; Microphthalmia, isolated, with coloboma 6. Last evaluated: 2025-03-04. Review status: criteria provided, single submitter. Criteria: Invitae Variant Classification Sherloc (09022015). Collection method: clinical testing. Allele origin: germline.
Comment: This sequence change replaces arginine, which is basic and polar, with tryptophan, which is neutral and slightly polar, at codon 333 of the GDF6 protein (p.Arg333Trp). The frequency data for this variant in the population databases is considered unreliable, as metrics indicate poor data quality at this position in the gnomAD database. This variant has not been reported in the literature in individuals affected with GDF6-related conditions. Invitae Evidence Modeling of protein sequence and biophysical properties (such as structural, functional, and spatial information, amino acid conservation, physicochemical variation, residue mobility, and thermodynamic stability) indicates that this missense variant is not expected to disrupt GDF6 protein function with a negative predictive value of 80%. In summary, the available evidence is currently insufficient to determine the role of this variant in disease. Therefore, it has been classified as a Variant of Uncertain Significance.